The following is an entry in ClinVar:

NM_001846.4(COL4A2):c.2903-12A>G

Gene: COL4A2 (collagen type IV alpha 2 chain; plus strand). Cytogenetic location: 13q34.
Variant type: single nucleotide variant.
Coding change: c.2903-12A>G on transcript NM_001846.4 (MANE Select); 12 bases into the intron before coding-DNA position 2903, A replaced by G.
Molecular consequence: intron variant.
Genome position (GRCh38, 1-based): chr13:110,484,893, A>G. VCF-style: chr13-110484893-A-G. GRCh37 (hg19) VCF-style: chr13-111137240-A-G.
Identifiers: ClinVar variation 311153 (VCV000311153.18), dbSNP rs2296853, ClinGen allele CA7050031.

ClinVar aggregate classification (germline): Benign. Review status: criteria provided, multiple submitters, no conflicts (2 of 4 stars). 5 submissions from 5 submitters: Benign (5). Last evaluated 2026-02-03.

Conditions:
Brain small vessel disease 2A, autosomal dominant. Also called: Porencephaly 2. Identifiers: Orphanet 2940, Orphanet 99810, MedGen C3280970, MONDO:0013773, OMIM 614483.

Allele frequency attached by ClinVar (database versions not stated): 1000 Genomes Project 30x 0.12523; 1000 Genomes Project 0.12580; ESP Exome Variant Server 0.13124; gnomAD 0.13866 and 0.13917; TOPMed 0.13962; ExAC 0.15696; gnomAD exomes 0.15851.
gnomAD v4.1: 257,874 of 1,601,718 alleles (16%); highest among the groups gnomAD compares: Admixed American, 23%; 22,290 homozygotes.

Submissions (5):

Labcorp Genetics (formerly Invitae), Labcorp
Classification: Benign. Last evaluated: 2026-02-03. Review status: criteria provided, single submitter. Criteria: Invitae Variant Classification Sherloc (09022015). Collection method: clinical testing. Allele origin: germline.

Blueprint Genetics
Classification: Benign. Last evaluated: 2024-11-27. Review status: criteria provided, single submitter. Criteria: ACMG Guidelines, 2015. Collection method: clinical testing. Allele origin: germline.

GeneDx
Classification: Benign. Last evaluated: 2018-04-02. Review status: criteria provided, single submitter. Criteria: GeneDx Variant Classification (06012015). Collection method: clinical testing. Allele origin: germline. Affected: yes.
Comment: This variant is considered likely benign or benign based on one or more of the following criteria: it is a conservative change, it occurs at a poorly conserved position in the protein, it is predicted to be benign by multiple in silico algorithms, and/or has population frequency not consistent with disease.

Illumina Laboratory Services, Illumina
Classification: Benign for Brain small vessel disease 2A, autosomal dominant. Last evaluated: 2018-01-12. Review status: criteria provided, single submitter. Criteria: ICSL Variant Classification Criteria 13 December 2019. Collection method: clinical testing. Allele origin: germline.
Comment: This variant was observed in the ICSL laboratory as part of a predisposition screen in an ostensibly healthy population. It had not been previously curated by ICSL or reported in the Human Gene Mutation Database (HGMD: prior to June 1st, 2018), and was therefore a candidate for classification through an automated scoring system. Utilizing variant allele frequency, disease prevalence and penetrance estimates, and inheritance mode, an automated score was calculated to assess if this variant is too frequent to cause the disease. Based on the score and internal cut-off values, a variant classified as benign is not then subjected to further curation. The score for this variant resulted in a classification of benign for this disease.

Breakthrough Genomics
Classification: Benign. Review status: criteria provided, single submitter. Criteria: ACMG Guidelines, 2015. Collection method: not provided. Allele origin: germline. Inheritance: Autosomal dominant inheritance. Affected: yes.